The following is an entry in ClinVar:

NM_001035.3(RYR2):c.12239A>G (p.Tyr4080Cys)

Gene: RYR2 (ryanodine receptor 2; plus strand). Cytogenetic location: 1q43.
Variant type: single nucleotide variant.
Coding change: c.12239A>G on transcript NM_001035.3 (MANE Select); coding-DNA position 12239, A replaced by G.
Protein change: p.Tyr4080Cys; replaces tyrosine 4080 with cysteine.
Molecular consequence: missense variant.
Genome position (GRCh38, 1-based): chr1:237,783,951, A>G. VCF-style: chr1-237783951-A-G. GRCh37 (hg19) VCF-style: chr1-237947251-A-G.
Other names: p.Y4080C:TAC>TGC; c.12239A>G, p.Tyr4080Cys (LRG_402t1); short protein forms Y4080C.
Identifiers: ClinVar variation 201323 (VCV000201323.9), dbSNP rs794728781, ClinGen allele CA007383.

ClinVar aggregate classification (germline): Conflicting classifications of pathogenicity. Review status: criteria provided, conflicting classifications (1 of 4 stars). 3 submissions from 3 submitters: Pathogenic (1); Uncertain significance (2). Last evaluated 2024-01-08.

Conditions:
Catecholaminergic polymorphic ventricular tachycardia (CVPT). Also called: Catecholamine-induced polymorphic ventricular tachycardia. Identifiers: Orphanet 3286, MedGen C5574922, MONDO:0017990.
Catecholaminergic polymorphic ventricular tachycardia 1. Also called: RYR2-Related Catecholaminergic Polymorphic Ventricular Tachycardia; VENTRICULAR TACHYCARDIA, CATECHOLAMINERGIC POLYMORPHIC, 1, WITH OR WITHOUT ATRIAL DYSFUNCTION AND/OR DILATED CARDIOMYOPATHY; VENTRICULAR TACHYCARDIA, STRESS-INDUCED POLYMORPHIC 1. Identifiers: Orphanet 3286, MedGen C1631597, MONDO:0011484, OMIM 604772.

Allele frequency attached by ClinVar (database versions not stated): gnomAD exomes below 0.00001.
gnomAD v4.1: 6 of 1,613,668 alleles (0.00037%); highest among the groups gnomAD compares: Non-Finnish European, 0.00042%; no homozygotes.

Submissions (3):

All of Us Research Program, National Institutes of Health
Classification: Uncertain significance for Catecholaminergic polymorphic ventricular tachycardia. Last evaluated: 2024-01-08. Review status: criteria provided, single submitter. Criteria: ACMG Guidelines, 2015. Collection method: clinical testing. Allele origin: germline. Inheritance: Autosomal dominant inheritance. Observed: 1 variant allele, 1 heterozygote.
Comment: This missense variant replaces tyrosine with cysteine at codon 4080 of the RYR2 protein. Computational prediction is inconclusive regarding the impact of this variant on protein structure and function (internally defined REVEL score threshold 0.5 < inconclusive < 0.7, PMID: 27666373). To our knowledge, functional studies have not been reported for this variant. This variant has been reported in two individuals affected with catecholaminergic polymorphic ventricular tachycardia (PMID: 31112425 and ClinVar SCV003786362.1). One of these individuals also had two affected first degree relatives with evidence of co-segregation (PMID: 31112425). This variant has not been identified in the general population by the Genome Aggregation Database (gnomAD). The available evidence is insufficient to determine the role of this variant in disease conclusively. Therefore, this variant is classified as a Variant of Uncertain Significance.

This study involves interpretation of variants in research participants for the purpose of population health screening. Participant phenotype was not available at the time of variant classification. Additional details can be found in publication PMID: 35346344, PMCID: PMC8962531

Labcorp Genetics (formerly Invitae), Labcorp
Classification: Pathogenic for Catecholaminergic polymorphic ventricular tachycardia 1. Last evaluated: 2022-12-12. Review status: criteria provided, single submitter. Criteria: Invitae Variant Classification Sherloc (09022015). Collection method: clinical testing. Allele origin: germline.
Comment: For these reasons, this variant has been classified as Pathogenic. Algorithms developed to predict the effect of missense changes on protein structure and function (SIFT, PolyPhen-2, Align-GVGD) all suggest that this variant is likely to be disruptive. ClinVar contains an entry for this variant (Variation ID: 201323). This missense change has been observed in individuals with clinical features of catecholaminergic polymorphic ventricular tachycardia (PMID: 31112425; Invitae). It has also been observed to segregate with disease in related individuals. This variant is not present in population databases (gnomAD no frequency). This sequence change replaces tyrosine, which is neutral and polar, with cysteine, which is neutral and slightly polar, at codon 4080 of the RYR2 protein (p.Tyr4080Cys).

GeneDx
Classification: Uncertain significance. Last evaluated: 2017-03-27. Review status: criteria provided, single submitter. Criteria: GeneDx Variant Classification (06012015). Collection method: clinical testing. Allele origin: germline. Affected: yes.
Comment: The Tyr4080Cys variant in the RYR2 gene has not been reported as a pathogenic variant or as a benign polymorphism to our knowledge. Tyr4080Cys results in a non-conservative amino acid substitution of a large polar Tyrosine residue with a polar Cysteine residue at a position that is conserved through mammals. In silico analysis predicts Tyr4080Cys is probably damaging to the protein structure/function. Substitutions in nearby residues (Gly4076Lys, Ala4091Thr) have been reported in association with polymorphic ventricular tachycardia and CPVT, respectively, further supporting the functional importance of this region of the protein. Furthermore, the Tyr4080Cys variant was not observed in approximately 6,200 individuals of European and African American ancestry in the NHLBI Exome Sequencing Project, indicating it is not a common benign variant in these populations. Therefore, based on the currently available information, it is unclear whether this variant is a pathogenic variant or a rare benign variant.

Literature cited by the submitters: PubMed 31112425 (cited by All of Us Research Program, National Institutes of Health and Labcorp Genetics (formerly Invitae), Labcorp).